The following is an entry in ClinVar:

NM_002661.5(PLCG2):c.906G>C (p.Trp302Cys)

Gene: PLCG2 (phospholipase C gamma 2; plus strand). Cytogenetic location: 16q23.3.
Variant type: single nucleotide variant.
Coding change: c.906G>C on transcript NM_002661.5 (MANE Select); coding-DNA position 906, G replaced by C.
Protein change: p.Trp302Cys; replaces tryptophan 302 with cysteine.
Molecular consequence: missense variant.
Genome position (GRCh38, 1-based): chr16:81,891,510, G>C. VCF-style: chr16-81891510-G-C. GRCh37 (hg19) VCF-style: chr16-81925115-G-C.
Other names: short protein forms W302C.
Identifiers: ClinVar variation 1029618 (VCV001029618.2), dbSNP rs1908633748, ClinGen allele CA396897958.

ClinVar aggregate classification (germline): Uncertain significance. Review status: criteria provided, multiple submitters, no conflicts (2 of 4 stars). 2 submissions from 2 submitters: Uncertain significance (2). Last evaluated 2021-08-05.

Conditions:
Autoinflammation-PLCG2-associated antibody deficiency-immune dysregulation. Also called: AUTOINFLAMMATION, ANTIBODY DEFICIENCY, AND IMMUNE DYSREGULATION; Autoinflammation, antibody deficiency, and immune dysregulation syndrome; Autoinflammation, antibody deficiency, and immune dysregulation, plcg2-associated. Identifiers: Orphanet 324530, MedGen C3553961, MONDO:0013944, OMIM 614878.
Familial cold autoinflammatory syndrome 3 (FCAS3). Also called: FAMILIAL ATYPICAL COLD URTICARIA; ANTIBODY DEFICIENCY AND IMMUNE DYSREGULATION, PLCG2-ASSOCIATED. Identifiers: Orphanet 300359, MedGen C3280914, MONDO:0013766, OMIM 614468.

Allele frequency attached by ClinVar (database versions not stated): TOPMed below 0.00001.

Submissions (2):

Fulgent Genetics
Classification: Uncertain significance for Familial cold autoinflammatory syndrome 3; Autoinflammation-PLCG2-associated antibody deficiency-immune dysregulation. Last evaluated: 2021-08-05. Review status: criteria provided, single submitter. Criteria: ACMG Guidelines, 2015. Collection method: clinical testing. Allele origin: unknown.

Baylor Genetics
Classification: Uncertain significance for Autoinflammation-PLCG2-associated antibody deficiency-immune dysregulation. Last evaluated: 2019-10-09. Review status: criteria provided, single submitter. Criteria: ACMG Guidelines, 2015. Collection method: clinical testing. Allele origin: unknown. Affected: yes.
Comment: This variant was determined to be of uncertain significance according to ACMG Guidelines, 2015 [PMID:25741868].